The following is an entry in ClinVar:

ClinVar aggregate classification (germline): Conflicting classifications of pathogenicity. Review status: criteria provided, conflicting classifications (1 of 4 stars). 3 submissions from 3 submitters: Uncertain significance (2); Likely benign (1). Last evaluated 2025-08-31.

Conditions:
Inborn genetic diseases. Identifiers: MedGen C0950123, MeSH D030342.
Dyskeratosis congenita, autosomal dominant 6 (DKCA6). Identifiers: Orphanet 3322, MedGen C4225284, MONDO:0014690, OMIM 616553.

Submissions (3):

Ambry Genetics
Classification: Uncertain significance for Inborn genetic diseases. Last evaluated: 2025-08-31. Review status: criteria provided, single submitter. Criteria: Ambry Variant Classification Scheme 2023. Collection method: clinical testing. Allele origin: germline.

Center for Genomic Medicine, Rigshospitalet, Copenhagen University Hospital
Classification: Likely benign. Last evaluated: 2025-03-04. Review status: criteria provided, single submitter. Criteria: ACMG Guidelines, 2015. Collection method: clinical testing. Allele origin: germline.

Labcorp Genetics (formerly Invitae), Labcorp
Classification: Uncertain significance for Dyskeratosis congenita, autosomal dominant 6. Last evaluated: 2023-10-31. Review status: criteria provided, single submitter. Criteria: Invitae Variant Classification Sherloc (09022015). Collection method: clinical testing. Allele origin: germline.
Comment: This sequence change replaces alanine, which is neutral and non-polar, with proline, which is neutral and non-polar, at codon 84 of the ACD protein (p.Ala84Pro). This variant is present in population databases (rs377247506, gnomAD 0.003%). This variant has not been reported in the literature in individuals affected with ACD-related conditions. ClinVar contains an entry for this variant (Variation ID: 1406425). An algorithm developed to predict the effect of missense changes on protein structure and function (PolyPhen-2) suggests that this variant is likely to be tolerated. In summary, the available evidence is currently insufficient to determine the role of this variant in disease. Therefore, it has been classified as a Variant of Uncertain Significance.

NM_001082486.2(ACD):c.-9G>C

Gene: ACD (ACD shelterin complex subunit and telomerase recruitment factor; minus strand). Cytogenetic location: 16q22.1.
Variant type: single nucleotide variant.
Coding change: c.-9G>C on transcript NM_001082486.2 (MANE Select); 9 bases upstream of the start codon, G replaced by C.
Molecular consequence: 5 prime UTR variant.
Genome position (GRCh38, 1-based): chr16:67,660,229, C>G on the plus strand (G>C on the coding strand, the complement: ACD is on the minus strand). VCF-style: chr16-67660229-C-G. GRCh37 (hg19) VCF-style: chr16-67694132-C-G.
Other names: c.-9G>C (NM_022914.3).
Identifiers: ClinVar variation 1406425 (VCV001406425.12), dbSNP rs377247506, ClinGen allele CA8114852.